The following is an entry in ClinVar:

NM_001376.5(DYNC1H1):c.9049-19G>T

Genes: DYNC1H1 (dynein cytoplasmic 1 heavy chain 1; plus strand), LOC126862060 (BRD4-independent group 4 enhancer GRCh37_chr14:102493659-102494858; plus strand). Cytogenetic location: 14q32.31.
Variant type: single nucleotide variant.
Coding change: c.9049-19G>T on transcript NM_001376.5 (MANE Select); 19 bases into the intron before coding-DNA position 9049, G replaced by T.
Molecular consequence: intron variant.
Genome position (GRCh38, 1-based): chr14:102,027,600, G>T. VCF-style: chr14-102027600-G-T. GRCh37 (hg19) VCF-style: chr14-102493937-G-T.
Identifiers: ClinVar variation 390986 (VCV000390986.9), dbSNP rs369055747, ClinGen allele CA16606889.

ClinVar aggregate classification (germline): Likely benign. Review status: criteria provided, multiple submitters, no conflicts (2 of 4 stars). 2 submissions from 2 submitters: Likely benign (2). Last evaluated 2024-12-28.

Conditions:
Charcot-Marie-Tooth disease axonal type 2O. Also called: Charcot-Marie-Tooth disease, axonal, type 20; CHARCOT-MARIE-TOOTH NEUROPATHY, AXONAL, TYPE 2O; CHARCOT-MARIE-TOOTH DISEASE, AXONAL, AUTOSOMAL DOMINANT, TYPE 2O; Charcot-Marie-Tooth Neuropathy Type 2O. Identifiers: Orphanet 284232, MedGen C3280220, MONDO:0013644, OMIM 614228.

Allele frequency attached by ClinVar (database versions not stated): gnomAD 0.00003; TOPMed 0.00003; ESP Exome Variant Server 0.00008.
gnomAD v4.1: 4 of 1,614,076 alleles (0.00025%); highest among the groups gnomAD compares: African/African-American, 0.0053%; no homozygotes.

Submissions (2):

Labcorp Genetics (formerly Invitae), Labcorp
Classification: Likely benign for Charcot-Marie-Tooth disease axonal type 2O. Last evaluated: 2024-12-28. Review status: criteria provided, single submitter. Criteria: Invitae Variant Classification Sherloc (09022015). Collection method: clinical testing. Allele origin: germline.

GeneDx
Classification: Likely benign. Last evaluated: 2016-11-22. Review status: criteria provided, single submitter. Criteria: GeneDx Variant Classification (06012015). Collection method: clinical testing. Allele origin: germline. Affected: yes.
Comment: This variant is considered likely benign or benign based on one or more of the following criteria: it is a conservative change, it occurs at a poorly conserved position in the protein, it is predicted to be benign by multiple in silico algorithms, and/or has population frequency not consistent with disease.